The following is an entry in ClinVar:

ClinVar aggregate classification (germline): Conflicting classifications of pathogenicity. Review status: criteria provided, conflicting classifications (1 of 4 stars). 6 submissions from 5 submitters: Uncertain significance (2); Likely benign (4). Last evaluated 2024-09-27.

Conditions:
RYR1-related disorder. Also called: RYR1-related condition; RYR1-related disorders. Identifiers: MedGen CN239331.
Congenital multicore myopathy with external ophthalmoplegia (CMYO1B). Also called: Minicore myopathy with external ophthalmoplegia; MULTIMINICORE DISEASE WITH EXTERNAL OPHTHALMOPLEGIA; MULTICORE MYOPATHY; Congenital myopathy 1B, autosomal recessive; Minicore myopathy. Identifiers: Orphanet 598, Orphanet 98905, MedGen C1850674, MONDO:0009712, OMIM 255320, HP:0003789.
Malignant hyperthermia, susceptibility to, 1 (MHS1). Also called: Malignant hyperthermia suceptibility 1; Anesthesia related hyperthermia; Malignant hyperpyrexia; Fulminating hyperpyrexia; Pharmacogenic myopathy; RYR1-Related Malignant Hyperthermia Susceptibility. Identifiers: Orphanet 423, MedGen C2930980, MONDO:0007783, OMIM 145600.

Allele frequency attached by ClinVar (database versions not stated): TOPMed below 0.00001; gnomAD 0.00001; gnomAD exomes 0.00001; ExAC 0.00003; 1000 Genomes Project 30x 0.00016; 1000 Genomes Project 0.00020.
gnomAD v4.1: 14 of 1,611,710 alleles (0.00087%); highest among the groups gnomAD compares: East Asian, 0.0067%; no homozygotes.

Submissions (6):

Blueprint Genetics
Classification: Likely benign. Last evaluated: 2024-09-27. Review status: criteria provided, single submitter. Criteria: ACMG Guidelines, 2015. Collection method: clinical testing. Allele origin: germline.

Labcorp Genetics (formerly Invitae), Labcorp
Classification: Likely benign for RYR1-related disorder. Last evaluated: 2024-04-27. Review status: criteria provided, single submitter. Criteria: Invitae Variant Classification Sherloc (09022015). Collection method: clinical testing. Allele origin: germline.

All of Us Research Program, National Institutes of Health
Classification: Likely benign for Malignant hyperthermia, susceptibility to, 1. Last evaluated: 2023-12-18. Review status: criteria provided, single submitter. Criteria: ACMG Guidelines, 2015. Collection method: clinical testing. Allele origin: germline. Inheritance: Autosomal dominant inheritance. Observed: 2 variant alleles, 2 heterozygotes.
Comment: This study involves interpretation of variants in research participants for the purpose of population health screening. Participant phenotype was not available at the time of variant classification. Additional details can be found in publication PMID: 35346344, PMCID: PMC8962531

Color Diagnostics, LLC DBA Color Health
Classification: Likely benign for Malignant hyperthermia, susceptibility to, 1. Last evaluated: 2022-11-06. Review status: criteria provided, single submitter. Criteria: ACMG Guidelines, 2015. Collection method: clinical testing. Allele origin: germline.

Illumina Laboratory Services, Illumina
Classification: Uncertain significance for Malignant hyperthermia, susceptibility to, 1. Last evaluated: 2018-01-13. Review status: criteria provided, single submitter. Criteria: ICSL Variant Classification Criteria 13 December 2019. Collection method: clinical testing. Allele origin: germline.

Illumina Laboratory Services, Illumina
Classification: Uncertain significance for Congenital multicore myopathy with external ophthalmoplegia. Last evaluated: 2018-01-13. Review status: criteria provided, single submitter. Criteria: ICSL Variant Classification Criteria 13 December 2019. Collection method: clinical testing. Allele origin: germline.

NM_000540.3(RYR1):c.7857G>A (p.Leu2619=)

Gene: RYR1 (ryanodine receptor 1; plus strand). Cytogenetic location: 19q13.2.
Variant type: single nucleotide variant.
Coding change: c.7857G>A on transcript NM_000540.3 (MANE Select); coding-DNA position 7857, G replaced by A.
Protein change: p.Leu2619=; no amino-acid change (leucine 2619 retained).
Molecular consequence: synonymous variant.
Genome position (GRCh38, 1-based): chr19:38,502,901, G>A. VCF-style: chr19-38502901-G-A. GRCh37 (hg19) VCF-style: chr19-38993541-G-A.
Other names: c.7857G>A, p.Leu2619= (NM_001042723.2).
Identifiers: ClinVar variation 888613 (VCV000888613.13), dbSNP rs547048377, ClinGen allele CA070866.
Genomic context (GRCh38, chr19:38,502,901, plus strand): 5'-CTGGACGGGGGATTCTACATCTTGTGCATTGTCCCGCAGGTACATCCGCCCGTCGATGCT[G>A]CAGCACCTGTTGCGCCGCCTGGTGTTCGACGTGCCCATCCTCAACGAGTTCGCCAAGATG-3'
Protein context (NP_000531.2, residues 2609-2629): SLCRYIRPSM[Leu2619=]QHLLRRLVFD